The following is an entry in ClinVar:

ClinVar aggregate classification (germline): Pathogenic. Review status: criteria provided, multiple submitters, no conflicts (2 of 4 stars). 4 submissions from 4 submitters: Pathogenic (3). 1 of the submissions does not count toward it. Last evaluated 2025-08-11.

Conditions:
Hematuria, benign familial, 1 (BFH1). Also called: THIN MEMBRANE NEPHROPATHY. Identifiers: MedGen CN376803, MONDO:0007709, OMIM 141200.
Autosomal recessive Alport syndrome (ATS2). Also called: COL4A4 Alport Syndrome and Thin Basement Membrane Nephropathy; Alport syndrome type 2; ALPORT SYNDROME 2, AUTOSOMAL RECESSIVE; COL4A3-Related Nephropathy. Identifiers: Orphanet 63, Orphanet 88919, MedGen C4746745, MONDO:0008762, OMIM 203780.
Alport syndrome. Also called: Hemorrhagic familial nephritis; Hemorrhagic hereditary nephritis; Congenital hereditary hematuria. Identifiers: Orphanet 63, MedGen C1567741, MONDO:0018965.

Submissions (4):

Labcorp Genetics (formerly Invitae), Labcorp
Classification: Pathogenic. Last evaluated: 2025-08-11. Review status: criteria provided, single submitter. Criteria: Invitae Variant Classification Sherloc (09022015). Collection method: clinical testing. Allele origin: germline.
Comment: This sequence change creates a premature translational stop signal (p.Tyr1491Ilefs*61) in the COL4A4 gene. It is expected to result in an absent or disrupted protein product. Loss-of-function variants in COL4A4 are known to be pathogenic (PMID: 21196518, 24854265, 25307543). This variant is not present in population databases (gnomAD no frequency). This premature translational stop signal has been observed in individual(s) with Alport syndrome (PMID: 28844315). ClinVar contains an entry for this variant (Variation ID: 959686). For these reasons, this variant has been classified as Pathogenic.

Fulgent Genetics
Classification: Pathogenic for Hematuria, benign familial, 1; Autosomal recessive Alport syndrome. Last evaluated: 2024-01-22. Review status: criteria provided, single submitter. Criteria: ACMG Guidelines, 2015. Collection method: clinical testing. Allele origin: germline.

3billion
Classification: Pathogenic for Autosomal recessive Alport syndrome. Last evaluated: 2022-01-03. Review status: criteria provided, single submitter. Criteria: ACMG Guidelines, 2015. Collection method: clinical testing. Allele origin: germline. Affected: yes. Observed: 1 homozygote.
Comment: Frameshift: predicted to result in a loss or disruption of normal protein function through nonsense-mediated decay (NMD) or protein truncation. Multiple pathogenic variants are reported downstream of the variant (PVS1_VS). The variant has been reported to be associated with COL4A4 related disorder (ClinVar ID: VCV000959686, PMID:28844315, 3billion dataset). The variant was co-segregated with Alport syndrome 2 in multiple affected family members (PP1_P, 3billlion dataset). It is not observed in the gnomAD v2.1.1 dataset (PM2_M). Therefore, this variant is classified as pathogenic according to the recommendation of ACMG/AMP guideline.

Sydney Genome Diagnostics, Children's Hospital Westmead
Classification: Pathogenic for Alport syndrome. Last evaluated: 2018-10-24. Review status: no assertion criteria provided. Collection method: clinical testing. Allele origin: unknown. Affected: yes. Observed: 1 variant allele, 1 compound heterozygote. Not counted in ClinVar's aggregate classification.
Comment: This frameshifting variant is predicted to create a premature stop codon 60 amino acid positions downstream p.(Trp1491Ilefs*61), and may result in a null allele due to nonsense-mediated mRNA decay. To our knowledge, this variant has not been previously reported. However, other nonsense variants downstream of this amino acid has been previously reported in the literature in Alports patients (Boye et al 1998 Am. J. Hum. Genet. 63:1329-40). This variant is considered to be pathogenic.

Literature cited by the submitters: PubMed 21196518 (cited by Labcorp Genetics (formerly Invitae), Labcorp); PubMed 24854265 (cited by Labcorp Genetics (formerly Invitae), Labcorp); PubMed 25307543 (cited by Labcorp Genetics (formerly Invitae), Labcorp); PubMed 28844315 (cited by Labcorp Genetics (formerly Invitae), Labcorp and 3billion).

NM_000092.5(COL4A4):c.4470del (p.Tyr1491fs)

Gene: COL4A4 (collagen type IV alpha 4 chain; minus strand). Cytogenetic location: 2q36.3.
Variant type: Deletion.
Coding change: c.4470del on transcript NM_000092.5 (MANE Select); coding-DNA position 4470, one base deleted (G; older notation c.4470delG).
Protein change: p.Tyr1491fs; shifts the reading frame from tyrosine 1491.
Molecular consequence: frameshift variant.
Genome position (GRCh38, 1-based): chr2:227,010,365, C deleted on the plus strand (G on the coding strand, the reverse complement: COL4A4 is on the minus strand); the first of 3 consecutive C bases (chr2:227,010,365-227,010,367); deleting any one gives the same sequence. VCF-style (leftmost placement, unchanged base first): chr2-227010364-AC-A. GRCh37 (hg19) VCF-style: chr2-227875080-AC-A.
Other names: short protein forms Y1491fs.
Identifiers: ClinVar variation 959686 (VCV000959686.12), dbSNP rs1963392922, ClinGen allele CA1139657740.